The following is an entry in ClinVar:

NM_001159699.2(FHL1):c.551C>T (p.Ala184Val)

Gene: FHL1 (four and a half LIM domains 1; plus strand). Cytogenetic location: Xq26.3.
Variant type: single nucleotide variant.
Coding change: c.551C>T on transcript NM_001159699.2 (MANE Select); coding-DNA position 551, C replaced by T.
Protein change: p.Ala184Val; replaces alanine 184 with valine.
Molecular consequence: missense variant. On other transcripts: non-coding transcript variant (1), intron variant (2).
Genome position (GRCh38, 1-based): chrX:136,208,456, C>T. VCF-style: chrX-136208456-C-T. GRCh37 (hg19) VCF-style: chrX-135290615-C-T.
Other names: c.503C>T (NM_001159702.2); c.503C>T, p.Ala168Val (NM_001159700.2, NM_001159702.3, NM_001159704.1 and 8 more transcripts); c.590C>T, p.Ala197Val (NM_001159701.2); c.501+495C>T (NM_001159703.2); c.549+495C>T (NM_001330659.2); short protein forms A184V, A197V, A168V.
Identifiers: ClinVar variation 807822 (VCV000807822.49), dbSNP rs753677369, ClinGen allele CA10525042.
Genomic context (GRCh38, chrX:136,208,456, plus strand): 5'-GTAGGCATTCAACAAAATGGTTGTTGAATCTGAATCCGGTGCTACACTCCCTGGTCTAGG[C>T]CATCACATCTGGAGGAATCACTTACCAGGATCAGCCCTGGCATGCCGATTGCTTTGTGTG-3'
Protein context (NP_001153171.1, residues 174-194): FAKHCVKCNK[Ala184Val]ITSGGITYQD

ClinVar aggregate classification (germline): Uncertain significance. Review status: criteria provided, multiple submitters, no conflicts (2 of 4 stars). 4 submissions from 4 submitters: Uncertain significance (4). Last evaluated 2025-04-09.

Conditions:
X-linked myopathy with postural muscle atrophy. Also called: FHL1-Related Emery-Dreifuss Muscular Dystrophy, X-Linked. Identifiers: Orphanet 178461, MedGen C2678055, MONDO:0010401, OMIM 300696.
Cardiovascular phenotype. Identifiers: MedGen CN230736.

Allele frequency attached by ClinVar (database versions not stated): gnomAD exomes below 0.00001 and 0.00001; ExAC 0.00001.
gnomAD v4.1: 2 of 1,211,607 alleles (0.00017%); highest among the groups gnomAD compares: South Asian, 0.0018%; no homozygotes.

Submissions (4):

Molecular Diagnostic Laboratory for Inherited Cardiovascular Disease, Montreal Heart Institute
Classification: Uncertain significance for Cardiovascular phenotype. Last evaluated: 2025-04-09. Review status: criteria provided, single submitter. Criteria: ACMG Guidelines, 2015. Collection method: clinical testing. Allele origin: germline. Affected: yes.

Labcorp Genetics (formerly Invitae), Labcorp
Classification: Uncertain significance for X-linked myopathy with postural muscle atrophy. Last evaluated: 2025-02-27. Review status: criteria provided, single submitter. Criteria: Invitae Variant Classification Sherloc (09022015). Collection method: clinical testing. Allele origin: germline.
Comment: This sequence change replaces alanine, which is neutral and non-polar, with valine, which is neutral and non-polar, at codon 168 of the FHL1 protein (p.Ala168Val). This variant is present in population databases (rs753677369, gnomAD 0.005%). This missense change has been observed in individual(s) with muscle weakness (PMID: 33963534). ClinVar contains an entry for this variant (Variation ID: 807822). An algorithm developed to predict the effect of missense changes on protein structure and function (PolyPhen-2) suggests that this variant is likely to be disruptive. In summary, the available evidence is currently insufficient to determine the role of this variant in disease. Therefore, it has been classified as a Variant of Uncertain Significance.

Women's Health and Genetics/Laboratory Corporation of America, LabCorp
Classification: Uncertain significance. Last evaluated: 2024-08-22. Review status: criteria provided, single submitter. Criteria: LabCorp Variant Classification Summary - May 2015. Collection method: clinical testing. Allele origin: germline.
Comment: Variant summary: FHL1 c.503C>T (p.Ala168Val) results in a non-conservative amino acid change located in the Zinc finger, LIM-type domain (IPR001781) of the encoded protein sequence. Three of five in-silico tools predict a damaging effect of the variant on protein function. Consensus agreement among computation tools predict no significant impact on normal splicing. However, these predictions have yet to be confirmed by functional studies. The variant allele was found at a frequency of 1.1e-05 in 183444 control chromosomes. The available data on variant occurrences in the general population are insufficient to allow any conclusion about variant significance. c.503C>T has been reported in the literature in a hemizygous individual affected with reducing body myopathy (e.g. Saat_2021). This report does not provide unequivocal conclusions about association of the variant with Emery-Dreifuss Muscular Dystrophy. To our knowledge, no experimental evidence demonstrating an impact on protein function has been reported. The following publication has been ascertained in the context of this evaluation (PMID: 33963534). ClinVar contains an entry for this variant (Variation ID: 807822). Based on the evidence outlined above, the variant was classified as uncertain significance.

CeGaT Center for Human Genetics Tuebingen
Classification: Uncertain significance. Last evaluated: 2023-11-01. Review status: criteria provided, single submitter. Criteria: CeGaT Center For Human Genetics Tuebingen Variant Classification Criteria Version 2. Collection method: clinical testing. Allele origin: germline. Affected: yes. Observed: 2 variant alleles.
Comment: FHL1: PM2

Literature cited by the submitters: PubMed 33963534 (cited by Labcorp Genetics (formerly Invitae), Labcorp and Women's Health and Genetics/Laboratory Corporation of America, LabCorp).